The following is an entry in ClinVar:

NM_002473.6(MYH9):c.1242C>T (p.Ile414=)

Gene: MYH9 (myosin heavy chain 9; minus strand). Cytogenetic location: 22q12.3.
Variant type: single nucleotide variant.
Coding change: c.1242C>T on transcript NM_002473.6 (MANE Select); coding-DNA position 1242, C replaced by T.
Protein change: p.Ile414=; no amino-acid change (isoleucine 414 retained).
Molecular consequence: synonymous variant.
Genome position (GRCh38, 1-based): chr22:36,316,655, G>A on the plus strand (C>T on the coding strand, the complement: MYH9 is on the minus strand). VCF-style: chr22-36316655-G-A. GRCh37 (hg19) VCF-style: chr22-36712700-G-A.
Other names: p.Ile414=.
Identifiers: ClinVar variation 178436 (VCV000178436.53), dbSNP rs138436678, ClinGen allele CA182329.
Genomic context (GRCh38, chr22:36,316,655, plus strand): 5'-GTTGATGCGCAGCACCAGCCAGCGGAACATCCGCTCATAGGTCGCCTTGGCCAAGGCCTC[G>A]ATGGCAAAGTCAGCCTGCGGGGCACACCCGGGGAGCGTGGTGTCAGATACAAAGGATCTG-3'
Protein context (NP_002464.1, residues 404-424): AQTKEQADFA[Ile414=]EALAKATYER

ClinVar aggregate classification (germline): Benign/Likely benign. Review status: criteria provided, multiple submitters, no conflicts (2 of 4 stars). 12 submissions from 11 submitters: Benign (3); Likely benign (9). Last evaluated 2026-08-01.

Conditions:
MYH9-related disorder. Identifiers: MedGen C1854520.
Autosomal dominant nonsyndromic hearing loss 17. Also called: Autosomal dominant nonsyndromic deafness 17; Deafness, autosomal dominant 17. Identifiers: Orphanet 90635, MedGen C1863659, MONDO:0011350, OMIM 603622.

Allele frequency attached by ClinVar (database versions not stated): 1000 Genomes Project 0.00020; 1000 Genomes Project 30x 0.00031; ESP Exome Variant Server 0.00077; gnomAD 0.00081 and 0.00083; TOPMed 0.00105.
gnomAD v4.1: 1,772 of 1,613,938 alleles (0.11%); highest among the groups gnomAD compares: Middle Eastern, 0.28%; 2 homozygotes.

Submissions (12):

CeGaT Center for Human Genetics Tuebingen
Classification: Likely benign. Last evaluated: 2026-08-01. Review status: criteria provided, single submitter. Criteria: CeGaT Center For Human Genetics Tuebingen Variant Classification Criteria Version 2. Collection method: clinical testing. Allele origin: germline. Affected: yes. Observed: 6 variant alleles.
Comment: MYH9: BP4, BP7, BS1

Women's Health and Genetics/Laboratory Corporation of America, LabCorp
Classification: Benign. Last evaluated: 2026-06-23. Review status: criteria provided, single submitter. Criteria: LabCorp Variant Classification Summary - May 2015. Collection method: clinical testing. Allele origin: germline.

Labcorp Genetics (formerly Invitae), Labcorp
Classification: Benign. Last evaluated: 2026-01-12. Review status: criteria provided, single submitter. Criteria: Invitae Variant Classification Sherloc (09022015). Collection method: clinical testing. Allele origin: germline.

Mayo Clinic Laboratories, Mayo Clinic
Classification: Likely benign. Last evaluated: 2025-09-17. Review status: criteria provided, single submitter. Criteria: ACMG Guidelines, 2015. Collection method: clinical testing. Allele origin: germline. Observed: 6 variant alleles.
Comment: BS1, BP4, BP7

Blueprint Genetics
Classification: Likely benign. Last evaluated: 2024-11-28. Review status: criteria provided, single submitter. Criteria: ACMG Guidelines, 2015. Collection method: clinical testing. Allele origin: germline.

ARUP Laboratories, Molecular Genetics and Genomics, ARUP Laboratories
Classification: Likely benign. Last evaluated: 2020-11-18. Review status: criteria provided, single submitter. Criteria: ARUP Molecular Germline Variant Investigation Process 2021. Collection method: clinical testing. Allele origin: germline.

GeneDx
Classification: Likely benign. Last evaluated: 2020-11-15. Review status: criteria provided, single submitter. Criteria: GeneDx Variant Classification Process June 2021. Collection method: clinical testing. Allele origin: germline. Affected: yes.

Illumina Laboratory Services, Illumina
Classification: Likely benign for Autosomal dominant nonsyndromic hearing loss 17. Last evaluated: 2018-01-13. Review status: criteria provided, single submitter. Criteria: ICSL Variant Classification Criteria 13 December 2019. Collection method: clinical testing. Allele origin: germline.
Comment: This variant was observed in the ICSL laboratory as part of a predisposition screen in an ostensibly healthy population. It had not been previously curated by ICSL or reported in the Human Gene Mutation Database (HGMD: prior to June 1st, 2018), and was therefore a candidate for classification through an automated scoring system. Utilizing variant allele frequency, disease prevalence and penetrance estimates, and inheritance mode, an automated score was calculated to assess if this variant is too frequent to cause the disease. Based on the score and internal cut-off values, a variant classified as likely benign is not then subjected to further curation. The score for this variant resulted in a classification of likely benign for this disease.

Illumina Laboratory Services, Illumina
Classification: Benign for MYH9-related disorder. Last evaluated: 2018-01-13. Review status: criteria provided, single submitter. Criteria: ICSL Variant Classification Criteria 13 December 2019. Collection method: clinical testing. Allele origin: germline.
Comment: This variant was observed in the ICSL laboratory as part of a predisposition screen in an ostensibly healthy population. It had not been previously curated by ICSL or reported in the Human Gene Mutation Database (HGMD: prior to June 1st, 2018), and was therefore a candidate for classification through an automated scoring system. Utilizing variant allele frequency, disease prevalence and penetrance estimates, and inheritance mode, an automated score was calculated to assess if this variant is too frequent to cause the disease. Based on the score and internal cut-off values, a variant classified as benign is not then subjected to further curation. The score for this variant resulted in a classification of benign for this disease.

Laboratory for Molecular Medicine, Mass General Brigham Personalized Medicine
Classification: Likely benign. Last evaluated: 2012-04-30. Review status: criteria provided, single submitter. Criteria: LMM Criteria. Collection method: clinical testing. Allele origin: germline. Observed: 2 variant alleles.
Comment: p.Ile414Ile in exon 12 of MYH9: This variant is not expected to have clinical si gnificance because it does not alter an amino acid residue, is not located withi n the splice consensus sequence, and has been identified in 0.1% (9/8600) of Eur opean American chromosomes by the NHLBI Exome Sequencing Project (.; dbSNP rs138436678).

Breakthrough Genomics
Classification: Likely benign. Review status: criteria provided, single submitter. Criteria: ACMG Guidelines, 2015. Collection method: not provided. Allele origin: germline. Inheritance: Autosomal dominant inheritance. Affected: yes.

PreventionGenetics, part of Exact Sciences
Classification: Likely benign. Review status: criteria provided, single submitter. Criteria: ACMG Guidelines, 2015. Collection method: clinical testing. Allele origin: germline.